The following is an entry in ClinVar:

NM_021830.5(TWNK):c.469A>T (p.Ile157Phe)

Gene: TWNK (twinkle mtDNA helicase; plus strand). Cytogenetic location: 10q24.31.
Variant type: single nucleotide variant.
Coding change: c.469A>T on transcript NM_021830.5 (MANE Select); coding-DNA position 469, A replaced by T.
Protein change: p.Ile157Phe; replaces isoleucine 157 with phenylalanine.
Molecular consequence: missense variant. On other transcripts: non-coding transcript variant (4), intron variant (3).
Genome position (GRCh38, 1-based): chr10:100,988,679, A>T. VCF-style: chr10-100988679-A-T. GRCh37 (hg19) VCF-style: chr10-102748436-A-T.
Other names: c.469A>T, p.Ile157Phe (NM_001163812.2); c.-119-965A>T (NM_001163814.2, NM_001163813.2); c.-57-1027A>T (NM_001368275.1); short protein forms I157F.
Identifiers: ClinVar variation 1354118 (VCV001354118.6), dbSNP rs2133935820, ClinGen allele CA378207444.

ClinVar aggregate classification (germline): Uncertain significance (1 of 4 stars; one submission).

Submission:

Labcorp Genetics (formerly Invitae), Labcorp
Classification: Uncertain significance. Last evaluated: 2021-11-28. Review status: criteria provided, single submitter. Criteria: Invitae Variant Classification Sherloc (09022015). Collection method: clinical testing. Allele origin: germline.
Comment: In summary, the available evidence is currently insufficient to determine the role of this variant in disease. Therefore, it has been classified as a Variant of Uncertain Significance. Algorithms developed to predict the effect of missense changes on protein structure and function are either unavailable or do not agree on the potential impact of this missense change (SIFT: "Deleterious"; PolyPhen-2: "Possibly Damaging"; Align-GVGD: "Class C0"). This variant has not been reported in the literature in individuals affected with TWNK-related conditions. This variant is not present in population databases (gnomAD no frequency). This sequence change replaces isoleucine, which is neutral and non-polar, with phenylalanine, which is neutral and non-polar, at codon 157 of the TWNK protein (p.Ile157Phe).